The following is an entry in ClinVar:

ClinVar aggregate classification (germline): Uncertain significance. Review status: criteria provided, multiple submitters, no conflicts (2 of 4 stars). 2 submissions from 2 submitters: Uncertain significance (2). Last evaluated 2025-11-02.

Conditions:
Hereditary cancer-predisposing syndrome. Also called: Neoplastic Syndromes, Hereditary; Tumor predisposition; Hereditary Cancer Syndrome; Hereditary neoplastic syndrome. Identifiers: Orphanet 140162, MedGen C0027672, MeSH D009386, MONDO:0015356.

Allele frequency attached by ClinVar (database versions not stated): gnomAD exomes below 0.00001.
gnomAD v4.1: 1 of 1,614,222 alleles (0.000062%); no homozygotes.

Submissions (2):

Labcorp Genetics (formerly Invitae), Labcorp
Classification: Uncertain significance. Last evaluated: 2025-11-02. Review status: criteria provided, single submitter. Criteria: Invitae Variant Classification Sherloc (09022015). Collection method: clinical testing. Allele origin: germline.
Comment: This sequence change replaces proline, which is neutral and non-polar, with serine, which is neutral and polar, at codon 191 of the HOXB13 protein (p.Pro191Ser). This variant is not present in population databases (gnomAD no frequency). This variant has not been reported in the literature in individuals affected with HOXB13-related conditions. ClinVar contains an entry for this variant (Variation ID: 483523). Invitae Evidence Modeling of protein sequence and biophysical properties (such as structural, functional, and spatial information, amino acid conservation, physicochemical variation, residue mobility, and thermodynamic stability) indicates that this missense variant is not expected to disrupt HOXB13 protein function with a negative predictive value of 80%. In summary, the available evidence is currently insufficient to determine the role of this variant in disease. Therefore, it has been classified as a Variant of Uncertain Significance.

Ambry Genetics
Classification: Uncertain significance for Hereditary cancer-predisposing syndrome. Last evaluated: 2025-02-14. Review status: criteria provided, single submitter. Criteria: Ambry Variant Classification Scheme 2023. Collection method: clinical testing. Allele origin: germline.
Comment: The p.P191S variant (also known as c.571C>T), located in coding exon 1 of the HOXB13 gene, results from a C to T substitution at nucleotide position 571. The proline at codon 191 is replaced by serine, an amino acid with similar properties. This amino acid position is highly conserved through mammals but not in all available vertebrate species. In addition, this alteration is predicted to be tolerated by in silico analysis. Since supporting evidence is limited at this time, the clinical significance of this alteration remains unclear.

NM_006361.6(HOXB13):c.571C>T (p.Pro191Ser)

Gene: HOXB13 (homeobox B13; minus strand). Cytogenetic location: 17q21.32.
Variant type: single nucleotide variant.
Coding change: c.571C>T on transcript NM_006361.6 (MANE Select); coding-DNA position 571, C replaced by T.
Protein change: p.Pro191Ser; replaces proline 191 with serine.
Molecular consequence: missense variant.
Genome position (GRCh38, 1-based): chr17:48,728,023, G>A on the plus strand (C>T on the coding strand, the complement: HOXB13 is on the minus strand). VCF-style: chr17-48728023-G-A. GRCh37 (hg19) VCF-style: chr17-46805385-G-A.
Other names: short protein forms P191S.
Identifiers: ClinVar variation 483523 (VCV000483523.14), dbSNP rs1555558557, ClinGen allele CA400107158.